The following is an entry in ClinVar:

NM_001369.3(DNAH5):c.10010del (p.Val3337fs)

Gene: DNAH5 (dynein axonemal heavy chain 5; minus strand). Cytogenetic location: 5p15.2.
Variant type: Deletion.
Coding change: c.10010del on transcript NM_001369.3 (MANE Select); coding-DNA position 10010, one base deleted (T; older notation c.10010delT).
Protein change: p.Val3337fs; shifts the reading frame from valine 3337.
Molecular consequence: frameshift variant.
Genome position (GRCh38, 1-based): chr5:13,766,067, A deleted on the plus strand (T on the coding strand, the reverse complement: DNAH5 is on the minus strand). VCF-style (leftmost placement, unchanged base first): chr5-13766066-CA-C. GRCh37 (hg19) VCF-style: chr5-13766175-CA-C.
Other names: short protein forms V3337fs.
Identifiers: ClinVar variation 5014797 (VCV005014797.1).
Genomic context (GRCh38, chr5:13,766,066, plus strand): 5'-CATCAATTTTAAGGATTCCTGCCAGGAGGGCATGGTACAGCTTTTTTCCAGGTCAATTTT[CA>C]CAGCACTGACTTTCCTTTGAAACAGCAGCAGTACGCAATCCATGATCCGCATGATGAGGT-3'

ClinVar aggregate classification (germline): Pathogenic (1 of 4 stars; one submission).

Conditions:
Primary ciliary dyskinesia 3. Identifiers: Orphanet 244, MedGen C1837618, MONDO:0012085, OMIM 608644.

Submission:

Myriad Genetics, Inc.
Classification: Pathogenic for Primary ciliary dyskinesia 3. Last evaluated: 2025-07-31. Review status: criteria provided, single submitter. Criteria: Myriad Autosomal Dominant, Autosomal Recessive and X-Linked Classification Criteria (2023). Collection method: clinical testing. Allele origin: unknown.
Comment: NM_001369.2(DNAH5):c.10010delT(V3337Gfs*18) is expected to be pathogenic in the context of primary ciliary dyskinesia, DNAH5-related. This variant is predicted to lead to an abnormal or absent protein product due to the creation of a premature termination codon in DNAH5, a gene where loss-of-function variants are known to be pathogenic. Please note: this variant was assessed in the context of healthy population screening.